The following is an entry in ClinVar:

ClinVar aggregate classification (germline): Likely benign. Review status: criteria provided, multiple submitters, no conflicts (2 of 4 stars). 7 submissions from 5 submitters: Likely benign (7). Last evaluated 2025-12-24.

Conditions:
Cardiomyopathy (CMYO). Also called: Cardiomyopathies. Identifiers: Orphanet 167848, MedGen C0878544, MONDO:0004994, HP:0001638. Inheritance: Various modes of inheritance.
Cardiomyopathy, familial restrictive, 3. Identifiers: Orphanet 75249, MedGen C2676271, MONDO:0012900, OMIM 612422.
Hypertrophic cardiomyopathy 2. Also called: TNNT2-Related Familial Hypertrophic Cardiomyopathy. Identifiers: MedGen C1861864, MONDO:0007266, OMIM 115195.
Dilated cardiomyopathy 1D. Identifiers: Orphanet 154, Orphanet 54260, MedGen C1832243, MONDO:0011095, OMIM 601494.

Allele frequency attached by ClinVar (database versions not stated): gnomAD exomes 0.00001 and 0.00002; ExAC 0.00002; gnomAD 0.00003 and 0.00004; TOPMed 0.00005; ESP Exome Variant Server 0.00008.
gnomAD v4.1: 24 of 1,611,920 alleles (0.0015%); highest among the groups gnomAD compares: African/African-American, 0.0027%; no homozygotes.

Submissions (7):

Labcorp Genetics (formerly Invitae), Labcorp
Classification: Likely benign for Cardiomyopathy, familial restrictive, 3; Hypertrophic cardiomyopathy 2; Dilated cardiomyopathy 1D. Last evaluated: 2025-12-24. Review status: criteria provided, single submitter. Criteria: Invitae Variant Classification Sherloc (09022015). Collection method: clinical testing. Allele origin: germline.

Women's Health and Genetics/Laboratory Corporation of America, LabCorp
Classification: Likely benign. Last evaluated: 2024-11-21. Review status: criteria provided, single submitter. Criteria: LabCorp Variant Classification Summary - May 2015. Collection method: clinical testing. Allele origin: germline.

All of Us Research Program, National Institutes of Health
Classification: Likely benign for Cardiomyopathy. Last evaluated: 2024-07-20. Review status: criteria provided, single submitter. Criteria: ACMG Guidelines, 2015. Collection method: clinical testing. Allele origin: germline. Inheritance: Autosomal dominant inheritance. Observed: 6 variant alleles, 6 heterozygotes.
Comment: This study involves interpretation of variants in research participants for the purpose of population health screening. Participant phenotype was not available at the time of variant classification. Additional details can be found in publication PMID: 35346344, PMCID: PMC8962531

Genome-Nilou Lab
Classification: Likely benign for Dilated cardiomyopathy 1D. Last evaluated: 2023-04-11. Review status: criteria provided, single submitter. Criteria: ACMG Guidelines, 2015. Collection method: clinical testing. Allele origin: germline. Affected: no.

Genome-Nilou Lab
Classification: Likely benign for Cardiomyopathy, familial restrictive, 3. Last evaluated: 2023-04-11. Review status: criteria provided, single submitter. Criteria: ACMG Guidelines, 2015. Collection method: clinical testing. Allele origin: germline. Affected: no.

Genome-Nilou Lab
Classification: Likely benign for Hypertrophic cardiomyopathy 2. Last evaluated: 2023-04-11. Review status: criteria provided, single submitter. Criteria: ACMG Guidelines, 2015. Collection method: clinical testing. Allele origin: germline. Affected: no.

Color Diagnostics, LLC DBA Color Health
Classification: Likely benign for Cardiomyopathy. Last evaluated: 2018-06-11. Review status: criteria provided, single submitter. Criteria: ACMG Guidelines, 2015. Collection method: clinical testing. Allele origin: germline.

NM_001276345.2(TNNT2):c.720-13C>G

Gene: TNNT2 (troponin T2, cardiac type; minus strand). Cytogenetic location: 1q32.1.
Variant type: single nucleotide variant.
Coding change: c.720-13C>G on transcript NM_001276345.2 (MANE Select); 13 bases into the intron before coding-DNA position 720, C replaced by G.
Molecular consequence: intron variant.
Genome position (GRCh38, 1-based): chr1:201,361,382, G>C on the plus strand (C>G on the coding strand, the complement: TNNT2 is on the minus strand). VCF-style: chr1-201361382-G-C. GRCh37 (hg19) VCF-style: chr1-201330510-G-C.
Other names: c.672-13C>G (NM_001001432.3); c.681-13C>G (NM_001001431.3); c.690-13C>G (NM_001001430.3, NM_001276347.2); c.591-13C>G (NM_001276346.2); c.711-13C>G (NM_000364.4).
Identifiers: ClinVar variation 628663 (VCV000628663.10), dbSNP rs377714587, ClinGen allele CA089169.